The following is an entry in ClinVar:

ClinVar aggregate classification (germline): Uncertain significance. Review status: criteria provided, multiple submitters, no conflicts (2 of 4 stars). 2 submissions from 2 submitters: Uncertain significance (2). Last evaluated 2025-09-05.

Conditions:
Hereditary sensory and autonomic neuropathy type 7. Also called: Neuropathy, hereditary sensory and autonomic, type VII; HSAN VII. Identifiers: Orphanet 391397, MedGen C3809882, MONDO:0014244, OMIM 615548.
Familial episodic pain syndrome with predominantly lower limb involvement. Also called: Episodic pain syndrome, familial, 3. Identifiers: Orphanet 391384, Orphanet 391392, MedGen C3809899, MONDO:0014247, OMIM 615552.
Inborn genetic diseases. Identifiers: MedGen C0950123, MeSH D030342.

Allele frequency attached by ClinVar (database versions not stated): ExAC 0.00002.
gnomAD v4.1: 31 of 1,613,958 alleles (0.0019%); highest among the groups gnomAD compares: Non-Finnish European, 0.0025%; no homozygotes.

Submissions (2):

Ambry Genetics
Classification: Uncertain significance for Inborn genetic diseases. Last evaluated: 2025-09-05. Review status: criteria provided, single submitter. Criteria: Ambry Variant Classification Scheme 2023. Collection method: clinical testing. Allele origin: germline.

Labcorp Genetics (formerly Invitae), Labcorp
Classification: Uncertain significance for Familial episodic pain syndrome with predominantly lower limb involvement; Hereditary sensory and autonomic neuropathy type 7. Last evaluated: 2025-03-03. Review status: criteria provided, single submitter. Criteria: Invitae Variant Classification Sherloc (09022015). Collection method: clinical testing. Allele origin: germline.
Comment: This sequence change replaces arginine, which is basic and polar, with glycine, which is neutral and non-polar, at codon 30 of the SCN11A protein (p.Arg30Gly). This variant is present in population databases (rs761199291, gnomAD 0.003%). This variant has not been reported in the literature in individuals affected with SCN11A-related conditions. ClinVar contains an entry for this variant (Variation ID: 968420). Invitae Evidence Modeling of protein sequence and biophysical properties (such as structural, functional, and spatial information, amino acid conservation, physicochemical variation, residue mobility, and thermodynamic stability) has been performed for this missense variant. However, the output from this modeling did not meet the statistical confidence thresholds required to predict the impact of this variant on SCN11A protein function. In summary, the available evidence is currently insufficient to determine the role of this variant in disease. Therefore, it has been classified as a Variant of Uncertain Significance.

NM_001349253.2(SCN11A):c.88C>G (p.Arg30Gly)

Gene: SCN11A (sodium voltage-gated channel alpha subunit 11; minus strand). Cytogenetic location: 3p22.2.
Variant type: single nucleotide variant.
Coding change: c.88C>G on transcript NM_001349253.2 (MANE Select); coding-DNA position 88, C replaced by G.
Protein change: p.Arg30Gly; replaces arginine 30 with glycine.
Molecular consequence: missense variant.
Genome position (GRCh38, 1-based): chr3:38,950,275, G>C on the plus strand (C>G on the coding strand, the complement: SCN11A is on the minus strand). VCF-style: chr3-38950275-G-C. GRCh37 (hg19) VCF-style: chr3-38991766-G-C.
Other names: c.88C>G, p.Arg30Gly (NM_014139.3); short protein forms R30G.
Identifiers: ClinVar variation 968420 (VCV000968420.7), dbSNP rs761199291, ClinGen allele CA2322782.
Genomic context (GRCh38, chr3:38,950,275, plus strand): 5'-GCTGGGGTACTTCTCCTGTCTGGTCTTTAGACTTCTTTTTCTCCTTTTGGATGGCAATCC[G>C]CTTCTCAATTGCAGCCAGAGAGTCGGAAGTGAAGGGGCGGAAATTCCGCTCATCTGGAAA-3'
Protein context (NP_001336182.1, residues 20-40): TSDSLAAIEK[Arg30Gly]IAIQKEKKKS